The following is an entry in ClinVar:

NC_000007.13:g.(?_44157216)_(44158266_?)del

Gene: POLD2 (DNA polymerase delta 2, accessory subunit; minus strand). Cytogenetic location: 7p13.
Variant type: Deletion.
Identifiers: ClinVar variation 3245903 (VCV003245903.1).

ClinVar aggregate classification (germline): Uncertain significance (1 of 4 stars; one submission).

Submission:

Labcorp Genetics (formerly Invitae), Labcorp
Classification: Uncertain significance. Last evaluated: 2024-01-15. Review status: criteria provided, single submitter. Criteria: Invitae Variant Classification Sherloc (09022015). Collection method: clinical testing. Allele origin: unknown.
Comment: This variant is a gross deletion of the genomic region encompassing exon(s) 3-4 of the POLD2 gene. This variant would be expected to be in-frame, preserving the integrity of the reading frame. This variant has not been reported in the literature in individuals affected with POLD2-related conditions. Experimental studies and prediction algorithms are not available or were not evaluated, and the functional significance of this variant is currently unknown. In summary, the available evidence is currently insufficient to determine the role of this variant in disease. Therefore, it has been classified as a Variant of Uncertain Significance.